The following is an entry in ClinVar:

NM_152743.4(BRAT1):c.355G>A (p.Val119Met)

Gene: BRAT1 (BRCA1 associated ATM activator 1; minus strand). Cytogenetic location: 7p22.3.
Variant type: single nucleotide variant.
Coding change: c.355G>A on transcript NM_152743.4 (MANE Select); coding-DNA position 355, G replaced by A.
Protein change: p.Val119Met; replaces valine 119 with methionine.
Molecular consequence: missense variant. On other transcripts: non-coding transcript variant (1), intron variant (1).
Genome position (GRCh38, 1-based): chr7:2,544,984, C>T on the plus strand (G>A on the coding strand, the complement: BRAT1 is on the minus strand). VCF-style: chr7-2544984-C-T. GRCh37 (hg19) VCF-style: chr7-2584618-C-T.
Other names: c.355G>A, p.Val119Met (NM_001350626.2); c.-95-1022G>A (NM_001350627.2); c.355G>A (NM_152743.3); short protein forms V119M.
Identifiers: ClinVar variation 1463732 (VCV001463732.8), dbSNP rs756690295, ClinGen allele CA4128229.

ClinVar aggregate classification (germline): Uncertain significance. Review status: criteria provided, multiple submitters, no conflicts (2 of 4 stars). 2 submissions from 2 submitters: Uncertain significance (2). Last evaluated 2023-02-22.

Conditions:
Inborn genetic diseases. Identifiers: MedGen C0950123, MeSH D030342.
Neonatal-onset encephalopathy with rigidity and seizures. Also called: Lethal neonatal spasticity-epileptic encephalopathy syndrome. Identifiers: Orphanet 435845, MedGen C3281029, MONDO:0013784, OMIM 614498.

Allele frequency attached by ClinVar (database versions not stated): TOPMed 0.00001; gnomAD exomes 0.00002; ExAC 0.00009.
gnomAD v4.1: 10 of 1,567,298 alleles (0.00064%); highest among the groups gnomAD compares: East Asian, 0.0023%; no homozygotes.

Submissions (2):

Ambry Genetics
Classification: Uncertain significance for Inborn genetic diseases. Last evaluated: 2023-02-22. Review status: criteria provided, single submitter. Criteria: Ambry Variant Classification Scheme 2023. Collection method: clinical testing. Allele origin: germline.

Labcorp Genetics (formerly Invitae), Labcorp
Classification: Uncertain significance for Neonatal-onset encephalopathy with rigidity and seizures. Last evaluated: 2021-07-26. Review status: criteria provided, single submitter. Criteria: Invitae Variant Classification Sherloc (09022015). Collection method: clinical testing. Allele origin: germline.
Comment: This sequence change replaces valine with methionine at codon 119 of the BRAT1 protein (p.Val119Met). The valine residue is highly conserved and there is a small physicochemical difference between valine and methionine. This variant is present in population databases (rs756690295, ExAC 0.02%). This variant has not been reported in the literature in individuals with BRAT1-related conditions. Algorithms developed to predict the effect of missense changes on protein structure and function are either unavailable or do not agree on the potential impact of this missense change (SIFT: "Deleterious"; PolyPhen-2: "Probably Damaging"; Align-GVGD: "Class C0"). In summary, the available evidence is currently insufficient to determine the role of this variant in disease. Therefore, it has been classified as a Variant of Uncertain Significance.